The following is an entry in ClinVar:

NM_014915.3(ANKRD26):c.626A>T (p.Asp209Val)

Gene: ANKRD26 (ankyrin repeat domain 26; minus strand). Cytogenetic location: 10p12.1.
Variant type: single nucleotide variant.
Coding change: c.626A>T on transcript NM_014915.3 (MANE Select); coding-DNA position 626, A replaced by T.
Protein change: p.Asp209Val; replaces aspartic acid 209 with valine.
Molecular consequence: missense variant.
Genome position (GRCh38, 1-based): chr10:27,092,418, T>A on the plus strand (A>T on the coding strand, the complement: ANKRD26 is on the minus strand). VCF-style: chr10-27092418-T-A. GRCh37 (hg19) VCF-style: chr10-27381347-T-A.
Other names: c.626A>T, p.Asp209Val (NM_001256053.2); short protein forms D209V.
Identifiers: ClinVar variation 4102562 (VCV004102562.2).

ClinVar aggregate classification (germline): Uncertain significance. Review status: criteria provided, multiple submitters, no conflicts (2 of 4 stars). 2 submissions from 2 submitters: Uncertain significance (2). Last evaluated 2025-08-31.

Conditions:
Inborn genetic diseases. Identifiers: MedGen C0950123, MeSH D030342.

gnomAD v4.1: 13 of 1,608,886 alleles (0.00081%); highest among the groups gnomAD compares: Non-Finnish European, 0.0011%; no homozygotes.

Submissions (2):

Labcorp Genetics (formerly Invitae), Labcorp
Classification: Uncertain significance. Last evaluated: 2025-08-31. Review status: criteria provided, single submitter. Criteria: Invitae Variant Classification Sherloc (09022015). Collection method: clinical testing. Allele origin: germline.
Comment: This sequence change replaces aspartic acid, which is acidic and polar, with valine, which is neutral and non-polar, at codon 209 of the ANKRD26 protein (p.Asp209Val). This variant is not present in population databases (gnomAD no frequency). This variant has not been reported in the literature in individuals affected with ANKRD26-related conditions. An algorithm developed to predict the effect of missense changes on protein structure and function (PolyPhen-2) suggests that this variant is likely to be disruptive. In summary, the available evidence is currently insufficient to determine the role of this variant in disease. Therefore, it has been classified as a Variant of Uncertain Significance.

Ambry Genetics
Classification: Uncertain significance for Inborn genetic diseases. Last evaluated: 2025-06-25. Review status: criteria provided, single submitter. Criteria: Ambry Variant Classification Scheme 2023. Collection method: clinical testing. Allele origin: germline.
Comment: The p.D209V variant (also known as c.626A>T), located in coding exon 4 of the ANKRD26 gene, results from an A to T substitution at nucleotide position 626. The aspartic acid at codon 209 is replaced by valine, an amino acid with highly dissimilar properties. This amino acid position is conserved. In addition, the in silico prediction for this alteration is inconclusive. Based on the available evidence, the clinical significance of this variant remains unclear.